The following is an entry in ClinVar:

NM_001364905.1(LRBA):c.4522C>T (p.Gln1508Ter)

Gene: LRBA (LPS responsive beige-like anchor protein; minus strand). Cytogenetic location: 4q31.3.
Variant type: single nucleotide variant.
Coding change: c.4522C>T on transcript NM_001364905.1 (MANE Select); coding-DNA position 4522, C replaced by T.
Protein change: p.Gln1508Ter; replaces glutamine 1508 with a stop codon.
Molecular consequence: nonsense.
Genome position (GRCh38, 1-based): chr4:150,844,147, G>A on the plus strand (C>T on the coding strand, the complement: LRBA is on the minus strand). VCF-style: chr4-150844147-G-A. GRCh37 (hg19) VCF-style: chr4-151765299-G-A.
Other names: c.4522C>T, p.Gln1508Ter (NM_001199282.3, NM_001367550.1, NM_006726.5); short protein forms Q1508*.
Identifiers: ClinVar variation 827717 (VCV000827717.4), dbSNP rs1578971328, ClinGen allele CA358450586.

ClinVar aggregate classification (germline): Pathogenic. Review status: criteria provided, multiple submitters, no conflicts (2 of 4 stars). 3 submissions from 3 submitters: Pathogenic (2). 1 of the submissions does not count toward it. Last evaluated 2025-12-27.

Conditions:
Inherited Immunodeficiency Diseases. Identifiers: MedGen C5197805, MeSH D000081207.
Combined immunodeficiency due to LRBA deficiency. Also called: Common variable immunodeficiency 8, with autoimmunity. Identifiers: Orphanet 445018, MedGen C3553512, MONDO:0013863, OMIM 614700.

Allele frequency attached by ClinVar (database versions not stated): gnomAD exomes below 0.00001.
gnomAD v4.1: 2 of 1,611,766 alleles (0.00012%); highest among the groups gnomAD compares: Non-Finnish European, 0.00017%; no homozygotes.

Submissions (3):

Labcorp Genetics (formerly Invitae), Labcorp
Classification: Pathogenic for Combined immunodeficiency due to LRBA deficiency. Last evaluated: 2025-12-27. Review status: criteria provided, single submitter. Criteria: Invitae Variant Classification Sherloc (09022015). Collection method: clinical testing. Allele origin: germline.
Comment: This sequence change creates a premature translational stop signal (p.Gln1508*) in the LRBA gene. It is expected to result in an absent or disrupted protein product. Loss-of-function variants in LRBA are known to be pathogenic (PMID: 26206937, 26768763). This variant is not present in population databases (gnomAD no frequency). This premature translational stop signal has been observed in individual(s) with LRBA deficiency (PMID: 30995531, 32499645, 32581362). ClinVar contains an entry for this variant (Variation ID: 827717). Algorithms developed to predict the effect of sequence changes on RNA splicing suggest that this variant may disrupt the consensus splice site. For these reasons, this variant has been classified as Pathogenic.

NIHR Bioresource Rare Diseases, University of Cambridge
Classification: Pathogenic for Inherited Immunodeficiency Diseases. Last evaluated: 2019-01-01. Review status: criteria provided, single submitter. Criteria: ACMG Guidelines, 2015. Collection method: research. Allele origin: germline. Affected: yes. Observed: 1 homozygote.

National Institute of Immunohaematology, Indian Council of Medical Research
Classification: Pathogenic for Combined immunodeficiency due to LRBA deficiency. Review status: no assertion criteria provided. Collection method: research. Allele origin: germline. Inheritance: Autosomal recessive inheritance. Affected: yes. Observed: 1 homozygote. Not counted in ClinVar's aggregate classification.
Comment: The c.4522C>T variant is a nonsense variant in LRBA which is predicted to result in a premature stop codon at position 1508 , and likely results in an absent or disrupted protein product (PVS1). This variant was found in a patient with LRBA defiency (PMID: 28502825). The variant has been identified in homozygous condition (PM3) . It was found in extremely low frequency in public databases (PM2). In summary, this variant meets criteria to be classified as pathogenic for LRBA defieincy according to ACMG/AMP criteria.

Literature cited by the submitters: PubMed 26206937 (cited by Labcorp Genetics (formerly Invitae), Labcorp); PubMed 26768763 (cited by Labcorp Genetics (formerly Invitae), Labcorp); PubMed 30995531 (cited by Labcorp Genetics (formerly Invitae), Labcorp); PubMed 32499645 (cited by Labcorp Genetics (formerly Invitae), Labcorp); PubMed 32581362 (cited by Labcorp Genetics (formerly Invitae), Labcorp); PubMed 28502825 (cited by National Institute of Immunohaematology, Indian Council of Medical Research).